The following is an entry in ClinVar:

NM_000053.4(ATP7B):c.1450G>A (p.Ala484Thr)

Gene: ATP7B (ATPase copper transporting beta; minus strand). Cytogenetic location: 13q14.3.
Variant type: single nucleotide variant.
Coding change: c.1450G>A on transcript NM_000053.4 (MANE Select); coding-DNA position 1450, G replaced by A.
Protein change: p.Ala484Thr; replaces alanine 484 with threonine.
Molecular consequence: missense variant. On other transcripts: intron variant (1).
Genome position (GRCh38, 1-based): chr13:51,970,585, C>T on the plus strand (G>A on the coding strand, the complement: ATP7B is on the minus strand). VCF-style: chr13-51970585-C-T. GRCh37 (hg19) VCF-style: chr13-52544721-C-T.
Other names: c.1450G>A, p.Ala484Thr (NM_001005918.3, NM_001330578.2, NM_001330579.2 and 28 more transcripts); c.1117G>A, p.Ala373Thr (NM_001243182.2); c.1354G>A, p.Ala452Thr (NM_001406530.1, NM_001406536.1, NM_001406517.1 and 3 more transcripts); c.1285+3350G>A (NM_001406548.1); c.1021G>A, p.Ala341Thr (NM_001406539.1); short protein forms A373T, A341T, A452T, A484T.
Identifiers: ClinVar variation 2774739 (VCV002774739.3), dbSNP rs2547793730, ClinGen allele CA388035606.

ClinVar aggregate classification (germline): Uncertain significance. Review status: criteria provided, multiple submitters, no conflicts (2 of 4 stars). 2 submissions from 2 submitters: Uncertain significance (2). Last evaluated 2023-10-23.

Conditions:
Wilson disease (WND). Also called: Wilson's disease. Identifiers: Orphanet 905, MedGen C0019202, MONDO:0010200, OMIM 277900. Disease mechanism: loss of function.

Submissions (2):

All of Us Research Program, National Institutes of Health
Classification: Uncertain significance for Wilson disease. Last evaluated: 2023-10-23. Review status: criteria provided, single submitter. Criteria: ACMG Guidelines, 2015. Collection method: clinical testing. Allele origin: germline. Inheritance: Autosomal recessive inheritance. Observed: 2 variant alleles, 2 heterozygotes.
Comment: This missense variant replaces alanine with threonine at codon 484 of the ATP7B protein. Computational prediction suggests that this variant may not impact protein structure and function (internally defined REVEL score threshold <= 0.5, PMID: 27666373). To our knowledge, functional studies have not been reported for this variant. This variant has not been reported in individuals affected with ATP7B-related disorders in the literature. This variant has not been identified in the general population by the Genome Aggregation Database (gnomAD). The available evidence is insufficient to determine the role of this variant in disease conclusively. Therefore, this variant is classified as a Variant of Uncertain Significance.

This study involves interpretation of variants in research participants for the purpose of population health screening. Participant phenotype was not available at the time of variant classification. Additional details can be found in publication PMID: 35346344, PMCID: PMC8962531

Color Diagnostics, LLC DBA Color Health
Classification: Uncertain significance for Wilson disease. Last evaluated: 2023-08-02. Review status: criteria provided, single submitter. Criteria: ACMG Guidelines, 2015. Collection method: clinical testing. Allele origin: germline.
Comment: This missense variant replaces alanine with threonine at codon 484 of the ATP7B protein. Computational prediction suggests that this variant may not impact protein structure and function (internally defined REVEL score threshold <= 0.5, PMID: 27666373). To our knowledge, functional studies have not been reported for this variant. This variant has not been reported in individuals affected with ATP7B-related disorders in the literature. This variant has not been identified in the general population by the Genome Aggregation Database (gnomAD). The available evidence is insufficient to determine the role of this variant in disease conclusively. Therefore, this variant is classified as a Variant of Uncertain Significance.